The following is an entry in ClinVar:

ClinVar aggregate classification (germline): Uncertain significance (1 of 4 stars; one submission).

Conditions:
Isovaleryl-CoA dehydrogenase deficiency (IVA). Also called: ISOVALERIC ACID CoA DEHYDROGENASE DEFICIENCY; Isovaleric acidemia; Classic Isovaleric Acidemia; IVD DEFICIENCY. Identifiers: Orphanet 33, MedGen C0268575, MONDO:0009475, OMIM 243500.

Submission:

Labcorp Genetics (formerly Invitae), Labcorp
Classification: Uncertain significance for Isovaleryl-CoA dehydrogenase deficiency. Last evaluated: 2019-12-02. Review status: criteria provided, single submitter. Criteria: Invitae Variant Classification Sherloc (09022015). Collection method: clinical testing. Allele origin: germline.
Comment: In summary, the available evidence is currently insufficient to determine the role of this variant in disease. Therefore, it has been classified as a Variant of Uncertain Significance. Algorithms developed to predict the effect of missense changes on protein structure and function (SIFT, PolyPhen-2, Align-GVGD) all suggest that this variant is likely to be disruptive, but these predictions have not been confirmed by published functional studies and their clinical significance is uncertain. This variant has not been reported in the literature in individuals with IVD-related conditions. This variant is not present in population databases (ExAC no frequency). This sequence change replaces valine with glycine at codon 177 of the IVD protein (p.Val177Gly). The valine residue is highly conserved and there is a moderate physicochemical difference between valine and glycine.

NM_002225.5(IVD):c.521T>G (p.Val174Gly)

Gene: IVD (isovaleryl-CoA dehydrogenase; plus strand). Cytogenetic location: 15q15.1.
Variant type: single nucleotide variant.
Coding change: c.521T>G on transcript NM_002225.5 (MANE Select); coding-DNA position 521, T replaced by G.
Protein change: p.Val174Gly; replaces valine 174 with glycine.
Molecular consequence: missense variant. On other transcripts: non-coding transcript variant (1).
Genome position (GRCh38, 1-based): chr15:40,411,324, T>G. VCF-style: chr15-40411324-T-G. GRCh37 (hg19) VCF-style: chr15-40703523-T-G.
Other names: c.431T>G, p.Val144Gly (NM_001159508.3); c.473T>G, p.Val158Gly (NM_001354597.3); c.521T>G, p.Val174Gly (NM_001354598.3, NM_001354601.3); c.608T>G, p.Val203Gly (NM_001354599.3, NM_001354600.3); short protein forms V144G, V158G, V203G, V174G.
Identifiers: ClinVar variation 862557 (VCV000862557.9), dbSNP rs1891058364, ClinGen allele CA391717186.